The following is an entry in ClinVar:

ClinVar aggregate classification (germline): Uncertain significance (1 of 4 stars; one submission).

Conditions:
Autosomal recessive spinocerebellar ataxia 20. Identifiers: Orphanet 397709, MedGen C5190595, MONDO:0014601, OMIM 616354.

Allele frequency attached by ClinVar (database versions not stated): gnomAD exomes 0.00002 and 0.00005; TOPMed 0.00002; ExAC 0.00010.
gnomAD v4.1: 13 of 1,605,574 alleles (0.00081%); highest among the groups gnomAD compares: Admixed American, 0.022%; no homozygotes.

Submission:

Baylor Genetics
Classification: Uncertain significance for Autosomal recessive spinocerebellar ataxia 20. Last evaluated: 2020-04-05. Review status: criteria provided, single submitter. Criteria: ACMG Guidelines, 2015. Collection method: clinical testing. Allele origin: unknown. Affected: yes.
Comment: This variant was determined to be of uncertain significance according to ACMG Guidelines, 2015 [PMID:25741868].

NM_153816.6(SNX14):c.140+9G>A

Gene: SNX14 (sorting nexin 14; minus strand). Cytogenetic location: 6q14.3.
Variant type: single nucleotide variant.
Coding change: c.140+9G>A on transcript NM_153816.6 (MANE Select); 9 bases into the intron after coding-DNA position 140, G replaced by A.
Molecular consequence: intron variant.
Genome position (GRCh38, 1-based): chr6:85,593,570, C>T on the plus strand (G>A on the coding strand, the complement: SNX14 is on the minus strand). VCF-style: chr6-85593570-C-T. GRCh37 (hg19) VCF-style: chr6-86303288-C-T.
Other names: c.-17+264G>A (NM_001350543.2, NM_001350539.2, NM_001350542.2 and 2 more transcripts); c.-261+264G>A (NM_001350546.2); c.-826+264G>A (NM_001350547.2); c.-1012+264G>A (NM_001350553.2, NM_001350549.2); c.140+9G>A (NM_001350537.2, NM_001350534.2, NM_001350535.2 and 8 more transcripts); c.-880+9G>A (NM_001350548.2); c.-261+9G>A (NM_001350545.2); c.-927+9G>A (NM_001350551.2); and 2 more.
Identifiers: ClinVar variation 1031243 (VCV001031243.1), dbSNP rs751616334, ClinGen allele CA3912555.